The following is an entry in ClinVar:

ClinVar aggregate classification (germline): Benign/Likely benign. Review status: criteria provided, multiple submitters, no conflicts (2 of 4 stars). 4 submissions from 4 submitters: Benign (1); Likely benign (3). Last evaluated 2025-08-18.

Conditions:
Alagille syndrome due to a JAG1 point mutation. Also called: HEPATIC DUCTULAR HYPOPLASIA, SYNDROMATIC; Alagille Syndrome 1; JAG1-Related Alagille Syndrome. Identifiers: Orphanet 261619, Orphanet 52, MedGen C1956125, MONDO:0016862, OMIM 118450.
JAG1-related disorder. Also called: JAG1-related disorders; JAG1-related condition.
Tetralogy of Fallot (TOF). Identifiers: Orphanet 3303, MedGen C0039685, MONDO:0008542, OMIM 187500, HP:0001636.
Charcot-Marie-Tooth disease, axonal, Type 2HH. Also called: CHARCOT-MARIE-TOOTH NEUROPATHY, TYPE 2HH. Identifiers: MedGen C5562003, MONDO:0030458, OMIM 619574.
Deafness, congenital heart defects, and posterior embryotoxon (DCHE). Identifiers: MedGen C1866053, MONDO:0060713, OMIM 617992.

gnomAD v4.1: 115 of 1,614,084 alleles (0.0071%); highest among the groups gnomAD compares: Admixed American, 0.15%; 2 homozygotes.

Submissions (4):

Labcorp Genetics (formerly Invitae), Labcorp
Classification: Likely benign for Alagille syndrome due to a JAG1 point mutation. Last evaluated: 2025-08-18. Review status: criteria provided, single submitter. Criteria: Invitae Variant Classification Sherloc (09022015). Collection method: clinical testing. Allele origin: germline.

PreventionGenetics, part of Exact Sciences
Classification: Likely benign for JAG1-related condition. Last evaluated: 2025-07-02. Review status: criteria provided, single submitter. Criteria: ACMG Guidelines, 2015. Collection method: clinical testing. Allele origin: germline.
Comment: This variant is classified as likely benign based on ACMG/AMP sequence variant interpretation guidelines (Richards et al. 2015 PMID: 25741868, with internal and published modifications).

Fulgent Genetics
Classification: Likely benign for Alagille syndrome due to a JAG1 point mutation; Tetralogy of Fallot; Deafness, congenital heart defects, and posterior embryotoxon; Charcot-Marie-Tooth disease, axonal, Type 2HH. Last evaluated: 2022-02-08. Review status: criteria provided, single submitter. Criteria: ACMG Guidelines, 2015. Collection method: clinical testing. Allele origin: unknown.

Blueprint Genetics
Classification: Benign. Last evaluated: 2021-11-04. Review status: criteria provided, single submitter. Criteria: ACMG Guidelines, 2015. Collection method: clinical testing. Allele origin: germline.

NM_000214.3(JAG1):c.493C>T (p.Arg165Trp)

Gene: JAG1 (jagged canonical Notch ligand 1; minus strand). Cytogenetic location: 20p12.2.
Variant type: single nucleotide variant.
Coding change: c.493C>T on transcript NM_000214.3 (MANE Select); coding-DNA position 493, C replaced by T.
Protein change: p.Arg165Trp; replaces arginine 165 with tryptophan.
Molecular consequence: missense variant.
Genome position (GRCh38, 1-based): chr20:10,658,669, G>A on the plus strand (C>T on the coding strand, the complement: JAG1 is on the minus strand). VCF-style: chr20-10658669-G-A. GRCh37 (hg19) VCF-style: chr20-10639317-G-A.
Other names: c.493C>T (NM_000214.2); short protein forms R165W.
Identifiers: ClinVar variation 1152785 (VCV001152785.12), dbSNP rs749293754, ClinGen allele CA311351558.